The following is an entry in ClinVar:

NM_001270974.2(HYDIN):c.37G>T (p.Val13Phe)

Gene: HYDIN (HYDIN axonemal central pair apparatus protein; minus strand). Cytogenetic location: 16q22.2.
Variant type: single nucleotide variant.
Coding change: c.37G>T on transcript NM_001270974.2 (MANE Select); coding-DNA position 37, G replaced by T.
Protein change: p.Val13Phe; replaces valine 13 with phenylalanine.
Molecular consequence: missense variant.
Genome position (GRCh38, 1-based): chr16:71,186,859, C>A on the plus strand (G>T on the coding strand, the complement: HYDIN is on the minus strand). VCF-style: chr16-71186859-C-A. GRCh37 (hg19) VCF-style: chr16-71220762-C-A.
Other names: c.118G>T, p.Val40Phe (NM_001198542.1); c.88G>T, p.Val30Phe (NM_001198543.1); c.37G>T, p.Val13Phe (NM_017558.5); short protein forms V13F, V30F, V40F.
Identifiers: ClinVar variation 5037216 (VCV005037216.1).

ClinVar aggregate classification (germline): Uncertain significance (1 of 4 stars; one submission).

gnomAD v4.1: 319 of 1,613,040 alleles (0.02%); highest among the groups gnomAD compares: Admixed American, 0.12%; no homozygotes.

Submission:

GeneDx
Classification: Uncertain significance. Last evaluated: 2026-04-20. Review status: criteria provided, single submitter. Criteria: GeneDx Variant Classification Process June 2021. Collection method: clinical testing. Allele origin: germline.
Comment: In silico analysis suggests that this missense variant does not alter protein structure/function; Has not been previously published as pathogenic or benign to our knowledge